The following is an entry in ClinVar:

NM_001184.4(ATR):c.5899-8del

Gene: ATR (ATR checkpoint kinase; minus strand). Cytogenetic location: 3q23.
Variant type: Deletion.
Coding change: c.5899-8del on transcript NM_001184.4 (MANE Select); 8 bases into the intron before coding-DNA position 5899, one base deleted (T; older notation c.5899-8delT).
Molecular consequence: intron variant.
Genome position (GRCh38, 1-based): chr3:142,493,319, A deleted on the plus strand (T on the coding strand, the reverse complement: ATR is on the minus strand); the first of 6 consecutive A bases (chr3:142,493,319-142,493,324); deleting any one gives the same sequence. VCF-style (leftmost placement, unchanged base first): chr3-142493318-GA-G. GRCh37 (hg19) VCF-style: chr3-142212160-GA-G.
Other names: c.5707-8del (NM_001354579.2).
Identifiers: ClinVar variation 343598 (VCV000343598.39), dbSNP rs538488507, ClinGen allele CA2649450.

ClinVar aggregate classification (germline): Benign/Likely benign. Review status: criteria provided, multiple submitters, no conflicts (2 of 4 stars). 4 submissions from 4 submitters: Benign (1); Likely benign (2). 1 of the submissions does not count toward it. Last evaluated 2026-01-26.

Conditions:
ATR-related disorder. Also called: ATR-related condition.

Submissions (4):

Labcorp Genetics (formerly Invitae), Labcorp
Classification: Benign. Last evaluated: 2026-01-26. Review status: criteria provided, single submitter. Criteria: Invitae Variant Classification Sherloc (09022015). Collection method: clinical testing. Allele origin: germline.

Blueprint Genetics
Classification: Likely benign. Last evaluated: 2024-11-06. Review status: criteria provided, single submitter. Criteria: ACMG Guidelines, 2015. Collection method: clinical testing. Allele origin: germline.

CeGaT Center for Human Genetics Tuebingen
Classification: Likely benign. Last evaluated: 2024-08-01. Review status: criteria provided, single submitter. Criteria: CeGaT Center For Human Genetics Tuebingen Variant Classification Criteria Version 2. Collection method: clinical testing. Allele origin: germline. Affected: yes. Observed: 2 variant alleles.
Comment: ATR: BP4, BS1

PreventionGenetics, part of Exact Sciences
Classification: Benign for ATR-related condition. Last evaluated: 2024-01-22. Review status: no assertion criteria provided. Collection method: clinical testing. Allele origin: germline. Not counted in ClinVar's aggregate classification.
Comment: This variant is classified as benign based on ACMG/AMP sequence variant interpretation guidelines (Richards et al. 2015 PMID: 25741868, with internal and published modifications).